The following is an entry in ClinVar:

NM_001457.4(FLNB):c.1890C>A (p.Ser630Arg)

Gene: FLNB (filamin B; plus strand). Cytogenetic location: 3p14.3.
Variant type: single nucleotide variant.
Coding change: c.1890C>A on transcript NM_001457.4 (MANE Select); coding-DNA position 1890, C replaced by A.
Protein change: p.Ser630Arg; replaces serine 630 with arginine.
Molecular consequence: missense variant.
Genome position (GRCh38, 1-based): chr3:58,106,822, C>A. VCF-style: chr3-58106822-C-A. GRCh37 (hg19) VCF-style: chr3-58092549-C-A.
Other names: c.1890C>A, p.Ser630Arg (NM_001164317.2, NM_001164318.2, NM_001164319.2); short protein forms S630R.
Identifiers: ClinVar variation 2798889 (VCV002798889.3), dbSNP rs1559697337, ClinGen allele CA353340762.

ClinVar aggregate classification (germline): Uncertain significance (1 of 4 stars; one submission).

Allele frequency attached by ClinVar (database versions not stated): gnomAD exomes below 0.00001.
gnomAD v4.1: 1 of 1,614,068 alleles (0.000062%); highest among the groups gnomAD compares: Admixed American, 0.0017%; no homozygotes.

Submission:

Labcorp Genetics (formerly Invitae), Labcorp
Classification: Uncertain significance. Last evaluated: 2023-08-29. Review status: criteria provided, single submitter. Criteria: Invitae Variant Classification Sherloc (09022015). Collection method: clinical testing. Allele origin: germline.
Comment: This variant has not been reported in the literature in individuals affected with FLNB-related conditions. In summary, the available evidence is currently insufficient to determine the role of this variant in disease. Therefore, it has been classified as a Variant of Uncertain Significance. Advanced modeling of protein sequence and biophysical properties (such as structural, functional, and spatial information, amino acid conservation, physicochemical variation, residue mobility, and thermodynamic stability) performed at Invitae indicates that this missense variant is not expected to disrupt FLNB protein function. This variant is present in population databases (no rsID available, gnomAD 0.003%). This sequence change replaces serine, which is neutral and polar, with arginine, which is basic and polar, at codon 630 of the FLNB protein (p.Ser630Arg).